The following is an entry in ClinVar:

NM_000219.6(KCNE1):c.95G>A (p.Arg32His)

Gene: KCNE1 (potassium voltage-gated channel subfamily E regulatory subunit 1; minus strand). Cytogenetic location: 21q22.12.
Variant type: single nucleotide variant.
Coding change: c.95G>A on transcript NM_000219.6 (MANE Select); coding-DNA position 95, G replaced by A.
Protein change: p.Arg32His; replaces arginine 32 with histidine.
Molecular consequence: missense variant.
Genome position (GRCh38, 1-based): chr21:34,449,540, C>T on the plus strand (G>A on the coding strand, the complement: KCNE1 is on the minus strand). VCF-style: chr21-34449540-C-T. GRCh37 (hg19) VCF-style: chr21-35821838-C-T.
Other names: c.95G>A (LRG_290t1); c.95G>A, p.Arg32His (NM_001127668.4, NM_001127669.4, NM_001127670.4 and 4 more transcripts); short protein forms R32H.
Identifiers: ClinVar variation 132683 (VCV000132683.23), dbSNP rs17857111, ClinGen allele CA331978.

ClinVar aggregate classification (germline): Uncertain significance. Review status: criteria provided, multiple submitters, no conflicts (2 of 4 stars). 8 submissions from 8 submitters: Uncertain significance (7). 1 of the submissions does not count toward it. Last evaluated 2025-01-26.

Conditions:
Cardiovascular phenotype. Identifiers: MedGen CN230736.
Familial long QT syndrome (RWS). Also called: Congenital long QT syndrome; VENTRICULAR FIBRILLATION WITH PROLONGED QT INTERVAL; Romano-Ward syndrome. Identifiers: Orphanet 768, MedGen C1141890, MONDO:0019171.
Long QT syndrome (LQTS). Identifiers: MedGen C0023976, MeSH D008133, MONDO:0002442. Disease mechanism: loss of function. Inheritance: Various modes of inheritance.
Long QT syndrome 5 (LQT5). Identifiers: Orphanet 101016, Orphanet 768, MedGen C1867904, MONDO:0013372, OMIM 613695.
Jervell and Lange-Nielsen syndrome 2 (JLNS2). Identifiers: Orphanet 768, Orphanet 90647, MedGen C2676723, MONDO:0012871, OMIM 612347.

Allele frequency attached by ClinVar (database versions not stated): TOPMed 0.00001; ExAC 0.00005; gnomAD exomes 0.00005.

Submissions (9):

Labcorp Genetics (formerly Invitae), Labcorp
Classification: Uncertain significance for Long QT syndrome. Last evaluated: 2025-01-26. Review status: criteria provided, single submitter. Criteria: Invitae Variant Classification Sherloc (09022015). Collection method: clinical testing. Allele origin: germline.
Comment: This sequence change replaces arginine, which is basic and polar, with histidine, which is basic and polar, at codon 32 of the KCNE1 protein (p.Arg32His). This variant is present in population databases (rs17857111, gnomAD 0.01%). This missense change has been observed in individual(s) with clinical features of KCNE1-related conditions (PMID: 10973849, 15051636, 18752142, 19716085, 23098067, 25998140, 26675252, 29032884). ClinVar contains an entry for this variant (Variation ID: 132683). Invitae Evidence Modeling of protein sequence and biophysical properties (such as structural, functional, and spatial information, amino acid conservation, physicochemical variation, residue mobility, and thermodynamic stability) indicates that this missense variant is not expected to disrupt KCNE1 protein function with a negative predictive value of 95%. Experimental studies have shown that this missense change does not substantially affect KCNE1 function (PMID: 15051636). In summary, the available evidence is currently insufficient to determine the role of this variant in disease. Therefore, it has been classified as a Variant of Uncertain Significance.

GeneDx
Classification: Uncertain significance. Last evaluated: 2021-12-01. Review status: criteria provided, single submitter. Criteria: GeneDx Variant Classification Process June 2021. Collection method: clinical testing. Allele origin: germline. Affected: yes.
Comment: Also identified in patients with atrioventricular nodal reentrant tachycardia and ventricular fibrillation (Hasdemir et al., 2015; Leinonen et al., 2018); Published functional studies demonstrate R32H results in a 22% decrease in the amplitude of potassium channel current compared to wild-type; however, the clinical relevance of this finding is uncertain (Westenskow et al., 2004); In silico analysis, which includes protein predictors and evolutionary conservation, supports that this variant does not alter protein structure/function; This variant is associated with the following publications: (PMID: 11692163, 24710009, 24478792, 15051636, 23098067, 26675252, 19862833, 17341399, 19716085, 25998140, 18752142, 10973849, 29032884, 30461122, 23174487, 22581653, 19214780, 33373586)

Ambry Genetics
Classification: Uncertain significance for Cardiovascular phenotype. Last evaluated: 2021-11-04. Review status: criteria provided, single submitter. Criteria: Ambry Variant Classification Scheme 2023. Collection method: clinical testing. Allele origin: germline.

Fulgent Genetics
Classification: Uncertain significance for Jervell and Lange-Nielsen syndrome 2; Long QT syndrome 5. Last evaluated: 2021-10-12. Review status: criteria provided, single submitter. Criteria: ACMG Guidelines, 2015. Collection method: clinical testing. Allele origin: unknown.

Mayo Clinic Laboratories, Mayo Clinic
Classification: Uncertain significance. Last evaluated: 2020-08-05. Review status: criteria provided, single submitter. Criteria: ACMG Guidelines, 2015. Collection method: clinical testing. Allele origin: germline. Observed: 1 variant allele.

Women's Health and Genetics/Laboratory Corporation of America, LabCorp
Classification: Uncertain significance. Last evaluated: 2018-09-05. Review status: criteria provided, single submitter. Criteria: LabCorp Variant Classification Summary - May 2015. Collection method: clinical testing. Allele origin: germline.
Comment: Variant summary: KCNE1 c.95G>A (p.Arg32His) results in a non-conservative amino acid change in the encoded protein sequence. Three of five in-silico tools predict a benign effect of the variant on protein function. The variant allele was found at a frequency of 5.3e-05 in 246544 control chromosomes. The observed variant frequency is approximately 5-folds higher than the estimated maximal expected allele frequency for a pathogenic variant in KCNE1 causing Arrhythmia phenotype (1e-05), suggesting that the variant might be benign. c.95G>A has been reported in the literature in individuals affected with Long QT Syndrome (LQTS) or referred for Arrhythmia genetic testing (Berge_2008, Hasemir_2015, Kapplinger_2009, Schulze-Bahr_2001, Splawski_2000), including one homozygous individual with a mild QTc prolongation (447 ms) (Stattin_2012). In one family the variant was found in co-occurrence with another pathogenic variant (SCN5A c.4931G>A (p.Arg1644His)), resulting in a variable penetrance ranging from severe to mild phenotypes (Westenskow_2004). These reports do not provide unequivocal conclusions about an association of the variant with Arrhythmia. A functional study found that when the variant protein was co-expressed with the WT (to mimic heterozygosity), it did not affect gating, however it decreased the amplitude of the potassium channel current (IKs) to 78% of the WT (Westenskow_2004). Two ClinVar Submissions from other clinical diagnostic laboratories (evaluation after 2014) cite the variant as uncertain significance. Based on the evidence outlined above, the variant was classified as VUS-possibly benign.

Illumina Laboratory Services, Illumina
Classification: Uncertain significance for Jervell and Lange-Nielsen syndrome 2. Last evaluated: 2017-04-27. Review status: criteria provided, single submitter. Criteria: ICSL Variant Classification Criteria 13 December 2019. Collection method: clinical testing. Allele origin: germline.
Comment: This variant was observed as part of a predisposition screen in an ostensibly healthy population. A literature search was performed for the gene, cDNA change, and amino acid change (where applicable). Publications were found based on this search. However, the evidence from the literature, in combination with allele frequency data from public databases where available, was not sufficient to rule this variant in or out of causing disease. Therefore, this variant is classified as a variant of unknown significance.

Cardiovascular Biomedical Research Unit, Royal Brompton & Harefield NHS Foundation Trust
No classification provided. Condition: Familial long QT syndrome. Review status: no classification provided. Collection method: literature only. Allele origin: germline. Not counted in ClinVar's aggregate classification.
Comment: This variant has been reported as associated with Long QT syndrome in the following publications (PMID:10973849;PMID:15051636;PMID:18752142;PMID:19716085). This is a literature report, and does not necessarily reflect the clinical interpretation of the Imperial College / Royal Brompton Cardiovascular Genetics laboratory.

Roden Lab, Vanderbilt University Medical Center
No classification provided (evidence only). Condition: Long QT syndrome 5. Review status: no classification provided. Collection method: in vitro. Allele origin: not applicable. Functional consequence: Effect on ion channel function. Not counted in ClinVar's aggregate classification.
ClinVar note: "not provided" was previously submitted as the classification for the variant. However, the classification appeared to be based only on an observation of functional data so it was converted to no classification on 2025-07-30.

Literature cited by the submitters: PubMed 10973849 (cited by 4 submitters); PubMed 15051636 (cited by 4 submitters); PubMed 18752142 (cited by 4 submitters); PubMed 19716085 (cited by 4 submitters); PubMed 23098067 (cited by 3 submitters); PubMed 25998140 (cited by Labcorp Genetics (formerly Invitae), Labcorp and Women's Health and Genetics/Laboratory Corporation of America, LabCorp); PubMed 26675252 (cited by Labcorp Genetics (formerly Invitae), Labcorp); PubMed 29032884 (cited by Labcorp Genetics (formerly Invitae), Labcorp); PubMed 19214780 (cited by Women's Health and Genetics/Laboratory Corporation of America, LabCorp); PubMed 23174487 (cited by Women's Health and Genetics/Laboratory Corporation of America, LabCorp); PubMed 11692163 (cited by Women's Health and Genetics/Laboratory Corporation of America, LabCorp); PubMed 22581653 (cited by Cardiovascular Biomedical Research Unit, Royal Brompton & Harefield NHS Foundation Trust).